The following is an entry in ClinVar:

NM_001035.3(RYR2):c.10142+1G>T

Gene: RYR2 (ryanodine receptor 2; plus strand). Cytogenetic location: 1q43.
Variant type: single nucleotide variant.
Coding change: c.10142+1G>T on transcript NM_001035.3 (MANE Select); the canonical splice donor site of the intron after coding-DNA position 10142, G replaced by T.
Molecular consequence: splice donor variant.
Genome position (GRCh38, 1-based): chr1:237,709,099, G>T. VCF-style: chr1-237709099-G-T. GRCh37 (hg19) VCF-style: chr1-237872399-G-T.
Identifiers: ClinVar variation 922262 (VCV000922262.3), dbSNP rs1688613586, ClinGen allele CA345411330.
Genomic context (GRCh38, chr1:237,709,099, plus strand): 5'-ACTGGCCAGAGATCTCTATGCCTTCTACCCTCTCTTGATTAGATTTGTGGACTATAACAG[G>T]TATGATCAAAAGTAATTTAGTAATTTCTCCAATTCGGTCATAACGTTTCTTGGCTCACAT-3'

ClinVar aggregate classification (germline): Uncertain significance (1 of 4 stars; one submission).

Conditions:
Cardiomyopathy (CMYO). Also called: Cardiomyopathies. Identifiers: Orphanet 167848, MedGen C0878544, MONDO:0004994, HP:0001638. Inheritance: Various modes of inheritance.

Submission:

Color Diagnostics, LLC DBA Color Health
Classification: Uncertain significance for Cardiomyopathy. Last evaluated: 2019-11-24. Review status: criteria provided, single submitter. Criteria: ACMG Guidelines, 2015. Collection method: clinical testing. Allele origin: germline.
Comment: This variant causes a G>T nucleotide substitution at the +1 position of intron 69 of the RYR2 gene. Splice prediction tools suggest that this variant may disrupt RNA splicing. To our knowledge, functional studies have not been performed for this variant. This variant has not been reported in individuals affected with cardiovascular disorders in the literature. This variant has not been identified in the general population by the Genome Aggregation Database (gnomAD). Clinical significance of loss-of-function truncation and splice variants in the RYR2 gene is not clearly established. The available evidence is insufficient to determine the role of this variant in disease conclusively. Therefore, this variant is classified as a Variant of Uncertain Significance.